The following is an entry in ClinVar:

ClinVar aggregate classification (germline): Pathogenic (1 of 4 stars; one submission).

Allele frequency attached by ClinVar (database versions not stated): gnomAD exomes below 0.00001.

Submission:

Labcorp Genetics (formerly Invitae), Labcorp
Classification: Pathogenic. Last evaluated: 2020-05-10. Review status: criteria provided, single submitter. Criteria: Invitae Variant Classification Sherloc (09022015). Collection method: clinical testing. Allele origin: germline.
Comment: For these reasons, this variant has been classified as Pathogenic. Loss-of-function variants in NPHS2 are known to be pathogenic (PMID: 10742096, 14701729, 15253708, 23595123). This variant has not been reported in the literature in individuals with NPHS2-related conditions. This variant is not present in population databases (ExAC no frequency). This sequence change creates a premature translational stop signal (p.Pro175Thrfs*4) in the NPHS2 gene. It is expected to result in an absent or disrupted protein product.

Literature cited by the submitters: PubMed 10742096; PubMed 14701729; PubMed 15253708; PubMed 23595123.

NM_014625.4(NPHS2):c.522dup (p.Pro175fs)

Gene: NPHS2 (NPHS2 stomatin family member, podocin; minus strand). Cytogenetic location: 1q25.2.
Variant type: Duplication.
Coding change: c.522dup on transcript NM_014625.4 (MANE Select); coding-DNA position 522, one base duplicated (A; older notation c.522dupA).
Protein change: p.Pro175fs; shifts the reading frame from proline 175.
Molecular consequence: frameshift variant.
Genome position (GRCh38, 1-based): chr1:179,559,691, T duplicated on the plus strand (A on the coding strand, the reverse complement: NPHS2 is on the minus strand). VCF-style (leftmost placement, unchanged base first): chr1-179559690-G-GT. GRCh37 (hg19) VCF-style: chr1-179528825-G-GT.
Other names: c.522dup, p.Pro175fs (NM_001297575.2); short protein forms P175fs.
Identifiers: ClinVar variation 1073153 (VCV001073153.5), dbSNP rs2125786567, ClinGen allele CA2499214327.